The following is an entry in ClinVar:

NC_000017.10:g.(?_4805539)_(4806690_?)del

Genes: C17orf107 (chromosome 17 open reading frame 107; plus strand), CHRNE (cholinergic receptor nicotinic epsilon subunit; minus strand). Cytogenetic location: 17p13.2.
Variant type: Deletion.
Identifiers: ClinVar variation 1398216 (VCV001398216.4).

ClinVar aggregate classification (germline): Pathogenic (1 of 4 stars; one submission).

Conditions:
Congenital myasthenic syndrome 4A. Also called: Myasthenic syndrome, congenital, 4a, slow-channel; MYASTHENIC SYNDROME, CONGENITAL, 4A, SLOW-CHANNEL, AUTOSOMAL RECESSIVE; CONGENITAL MYASTHENIC SYNDROME TYPE Ia1. Identifiers: Orphanet 590, MedGen C4225413, MONDO:0011600, OMIM 605809.

Submission:

Labcorp Genetics (formerly Invitae), Labcorp
Classification: Pathogenic for Congenital myasthenic syndrome 4A. Last evaluated: 2021-09-06. Review status: criteria provided, single submitter. Criteria: Invitae Variant Classification Sherloc (09022015). Collection method: clinical testing. Allele origin: germline.
Comment: For these reasons, this variant has been classified as Pathogenic. This variant has not been reported in the literature in individuals affected with CHRNE-related conditions. This variant results in the deletion of exons 1-3 and part of exon 4 (c.-332_317del) of the CHRNE gene. It is expected to result in an absent or disrupted protein product. Loss-of-function variants in CHRNE are known to be pathogenic (PMID: 22678886).

Literature cited by the submitters: PubMed 22678886.